The following is an entry in ClinVar:

ClinVar aggregate classification (germline): Uncertain significance (1 of 4 stars; one submission).

Conditions:
Autosomal recessive limb-girdle muscular dystrophy type 2J (LGMDR10). Also called: Limb-girdle muscular dystrophy, type 2J; MUSCULAR DYSTROPHY, LIMB-GIRDLE, AUTOSOMAL RECESSIVE 10. Identifiers: Orphanet 140922, MedGen C1837342, MONDO:0012127, OMIM 608807.
Dilated cardiomyopathy 1G (CMD1G). Identifiers: Orphanet 154, MedGen C1858763, MONDO:0011400, OMIM 604145.

Submission:

Labcorp Genetics (formerly Invitae), Labcorp
Classification: Uncertain significance for Dilated cardiomyopathy 1G; Autosomal recessive limb-girdle muscular dystrophy type 2J. Last evaluated: 2023-10-22. Review status: criteria provided, single submitter. Criteria: Invitae Variant Classification Sherloc (09022015). Collection method: clinical testing. Allele origin: germline.
Comment: This variant, c.104448_104450dup, results in the insertion of 1 amino acid(s) of the TTN protein (p.Glu34818dup), but otherwise preserves the integrity of the reading frame. This variant is not present in population databases (gnomAD no frequency). This variant has not been reported in the literature in individuals affected with TTN-related conditions. Experimental studies and prediction algorithms are not available or were not evaluated, and the functional significance of this variant is currently unknown. This variant is located in the M band of TTN (PMID: 25589632). Variants in this region may be relevant for neuromuscular disorders, but have not been definitively shown to cause cardiomyopathy (PMID: 23975875). In summary, the available evidence is currently insufficient to determine the role of this variant in disease. Therefore, it has been classified as a Variant of Uncertain Significance.

Literature cited by the submitters: PubMed 25589632; PubMed 23975875.

NM_001267550.2(TTN):c.104448_104450dup (p.Glu34818_Tyr34819insGlu)

Genes: TTN (titin; minus strand), TTN-AS1 (TTN antisense RNA 1; plus strand). Cytogenetic location: 2q31.2.
Variant type: Duplication.
Coding change: c.104448_104450dup on transcript NM_001267550.2 (MANE Select); coding-DNA positions 104448 to 104450, 3 bases duplicated (GGA; older notation c.104448_104450dupGGA).
Protein change: p.Glu34818_Tyr34819insGlu.
Molecular consequence: inframe insertion.
Genome position (GRCh38, 1-based): chr2:178,532,165-178,532,167, TCC duplicated on the plus strand (GGA on the coding strand, the reverse complement: TTN is on the minus strand); duplicating any 3 consecutive bases within chr2:178,532,165-178,532,169 gives the same sequence; the c. name uses the placement nearest the transcript's 3' end. VCF-style (leftmost placement, unchanged base first): chr2-178532164-T-TTCC. GRCh37 (hg19) VCF-style: chr2-179396891-T-TTCC.
Other names: c.99525_99527dup, p.Glu33177_Tyr33178insGlu (NM_001256850.1); c.77253_77255dup, p.Glu25753_Tyr25754insGlu (NM_003319.4); c.96744_96746dup, p.Glu32250_Tyr32251insGlu (NM_133378.4); c.77628_77630dup, p.Glu25878_Tyr25879insGlu (NM_133432.3); c.77829_77831dup, p.Glu25945_Tyr25946insGlu (NM_133437.4).
Identifiers: ClinVar variation 2953164 (VCV002953164.3), dbSNP rs2468439897, ClinGen allele CA2740095956.